The following is an entry in ClinVar:

NM_000069.3(CACNA1S):c.2100G>A (p.Thr700=)

Gene: CACNA1S (calcium voltage-gated channel subunit alpha1 S; minus strand). Cytogenetic location: 1q32.1.
Variant type: single nucleotide variant.
Coding change: c.2100G>A on transcript NM_000069.3 (MANE Select); coding-DNA position 2100, G replaced by A.
Protein change: p.Thr700=; no amino-acid change (threonine 700 retained).
Molecular consequence: synonymous variant.
Genome position (GRCh38, 1-based): chr1:201,073,606, C>T on the plus strand (G>A on the coding strand, the complement: CACNA1S is on the minus strand). VCF-style: chr1-201073606-C-T. GRCh37 (hg19) VCF-style: chr1-201042734-C-T.
Identifiers: ClinVar variation 294748 (VCV000294748.18), dbSNP rs774160640, ClinGen allele CA078808.

ClinVar aggregate classification (germline): Conflicting classifications of pathogenicity. Review status: criteria provided, conflicting classifications (1 of 4 stars). 5 submissions from 5 submitters: Uncertain significance (1); Likely benign (3). 1 of the submissions does not count toward it. Last evaluated 2025-10-13.

Conditions:
Hypokalemic periodic paralysis, type 1. Also called: Hypokalemic Periodic Paralysis Type 1 (AD); HypoPP. Identifiers: Orphanet 681, MedGen C3714580, MONDO:0042979, OMIM 170400.
Malignant hyperthermia, susceptibility to, 5 (MHS5). Also called: CACNA1S-Related Malignant Hyperthermia Susceptibility. Identifiers: Orphanet 423, MedGen C1866077, MONDO:0011163, OMIM 601887.
CACNA1S-related disorder. Also called: CACNA1S-related condition.

Allele frequency attached by ClinVar (database versions not stated): ExAC 0.00002; gnomAD exomes 0.00002 and 0.00003; gnomAD 0.00012 and 0.00017; TOPMed 0.00016.
gnomAD v4.1: 51 of 1,614,092 alleles (0.0032%); highest among the groups gnomAD compares: African/African-American, 0.037%; no homozygotes.

Submissions (5):

Labcorp Genetics (formerly Invitae), Labcorp
Classification: Likely benign for Hypokalemic periodic paralysis, type 1; Malignant hyperthermia, susceptibility to, 5. Last evaluated: 2025-10-13. Review status: criteria provided, single submitter. Criteria: Invitae Variant Classification Sherloc (09022015). Collection method: clinical testing. Allele origin: germline.

All of Us Research Program, National Institutes of Health
Classification: Likely benign for Malignant hyperthermia, susceptibility to, 5. Last evaluated: 2023-12-07. Review status: criteria provided, single submitter. Criteria: ACMG Guidelines, 2015. Collection method: clinical testing. Allele origin: germline. Inheritance: Autosomal dominant inheritance. Observed: 16 variant alleles, 16 heterozygotes.
Comment: This study involves interpretation of variants in research participants for the purpose of population health screening. Participant phenotype was not available at the time of variant classification. Additional details can be found in publication PMID: 35346344, PMCID: PMC8962531

Color Diagnostics, LLC DBA Color Health
Classification: Likely benign for Malignant hyperthermia, susceptibility to, 5. Last evaluated: 2022-11-06. Review status: criteria provided, single submitter. Criteria: ACMG Guidelines, 2015. Collection method: clinical testing. Allele origin: germline.

Illumina Laboratory Services, Illumina
Classification: Uncertain significance for Hypokalemic periodic paralysis, type 1. Last evaluated: 2018-01-13. Review status: criteria provided, single submitter. Criteria: ICSL Variant Classification Criteria 13 December 2019. Collection method: clinical testing. Allele origin: germline.

PreventionGenetics, part of Exact Sciences
Classification: Likely benign for CACNA1S-related condition. Last evaluated: 2019-08-07. Review status: no assertion criteria provided. Collection method: clinical testing. Allele origin: germline. Not counted in ClinVar's aggregate classification.
Comment: This variant is classified as likely benign based on ACMG/AMP sequence variant interpretation guidelines (Richards et al. 2015 PMID: 25741868, with internal and published modifications).